The following is an entry in ClinVar:

ClinVar aggregate classification (germline): Uncertain significance (1 of 4 stars; one submission).

Conditions:
Inborn genetic diseases. Identifiers: MedGen C0950123, MeSH D030342.

Submission:

Ambry Genetics
Classification: Uncertain significance for Inborn genetic diseases. Last evaluated: 2025-01-06. Review status: criteria provided, single submitter. Criteria: Ambry Variant Classification Scheme 2023. Collection method: clinical testing. Allele origin: germline.
Comment: The p.T260I variant (also known as c.779C>T), located in coding exon 7 of the ANKRD26 gene, results from a C to T substitution at nucleotide position 779. The threonine at codon 260 is replaced by isoleucine, an amino acid with similar properties. This amino acid position is conserved. In addition, this alteration is predicted to be tolerated by in silico analysis. Based on the available evidence, the clinical significance of this variant remains unclear.

NM_014915.3(ANKRD26):c.779C>T (p.Thr260Ile)

Gene: ANKRD26 (ankyrin repeat domain containing 26; minus strand). Cytogenetic location: 10p12.1.
Variant type: single nucleotide variant.
Coding change: c.779C>T on transcript NM_014915.3 (MANE Select); coding-DNA position 779, C replaced by T.
Protein change: p.Thr260Ile; replaces threonine 260 with isoleucine.
Molecular consequence: missense variant.
Genome position (GRCh38, 1-based): chr10:27,079,123, G>A on the plus strand (C>T on the coding strand, the complement: ANKRD26 is on the minus strand). VCF-style: chr10-27079123-G-A. GRCh37 (hg19) VCF-style: chr10-27368052-G-A.
Other names: c.779C>T, p.Thr260Ile (NM_001256053.2); short protein forms T260I.
Identifiers: ClinVar variation 3870067 (VCV003870067.1).